The following is an entry in ClinVar:

ClinVar aggregate classification (germline): Uncertain significance (1 of 4 stars; one submission).

Submission:

GeneDx
Classification: Uncertain significance. Last evaluated: 2022-01-10. Review status: criteria provided, single submitter. Criteria: GeneDx Variant Classification Process June 2021. Collection method: clinical testing. Allele origin: germline. Affected: yes.
Comment: Not observed at significant frequency in large population cohorts (gnomAD); In silico analysis supports that this missense variant has a deleterious effect on protein structure/function; Has not been previously published as pathogenic or benign to our knowledge

NM_001292063.2(OTOG):c.6556C>T (p.Pro2186Ser)

Gene: OTOG (otogelin; plus strand). Cytogenetic location: 11p15.1.
Variant type: single nucleotide variant.
Coding change: c.6556C>T on transcript NM_001292063.2 (MANE Select); coding-DNA position 6556, C replaced by T.
Protein change: p.Pro2186Ser; replaces proline 2186 with serine.
Molecular consequence: missense variant.
Genome position (GRCh38, 1-based): chr11:17,629,160, C>T. VCF-style: chr11-17629160-C-T. GRCh37 (hg19) VCF-style: chr11-17650707-C-T.
Other names: c.6592C>T, p.Pro2198Ser (NM_001277269.2); short protein forms P2186S, P2198S.
Identifiers: ClinVar variation 1695739 (VCV001695739.2), dbSNP rs2133699235, ClinGen allele CA379807753.
Genomic context (GRCh38, chr11:17,629,160, plus strand): 5'-ACAAGCTGTGCTCACACTGAATTCCCTCCCAAGGTGACTGTGGACTTGCAGCCTGTGTGG[C>T]CACCGGTGAGCAGGTATGGATTCAGAATTGAGGACACAGGCCACATGTACATGATCCTGA-3'
Protein context (NP_001278992.1, residues 2176-2196): KVTVDLQPVW[Pro2186Ser]PVSRYGFRIE